The following is an entry in ClinVar:

ClinVar aggregate classification (germline): Uncertain significance (1 of 4 stars; one submission).

Conditions:
Severe myoclonic epilepsy in infancy (DRVT). Also called: Epileptic encephalopathy, early infantile, 6 (Dravet syndrome); SEVERE MYOCLONIC EPILEPSY OF INFANCY; DEVELOPMENTAL AND EPILEPTIC ENCEPHALOPATHY 6A; Severe Myoclonic Epilepsy in Infancy (SMEI); Dravet syndrome. Identifiers: Orphanet 33069, MedGen C0751122, MONDO:0100135, OMIM 607208.

Submission:

Labcorp Genetics (formerly Invitae), Labcorp
Classification: Uncertain significance for Severe myoclonic epilepsy in infancy. Last evaluated: 2021-08-27. Review status: criteria provided, single submitter. Criteria: Invitae Variant Classification Sherloc (09022015). Collection method: clinical testing. Allele origin: germline.
Comment: This sequence change falls in intron 2 of the SNX27 gene. It does not directly change the encoded amino acid sequence of the SNX27 protein. It affects a nucleotide within the consensus splice site of the intron. This variant is not present in population databases (ExAC no frequency). This variant has not been reported in the literature in individuals affected with SNX27-related conditions. Variants that disrupt the consensus splice site are a relatively common cause of aberrant splicing (PMID: 17576681, 9536098). Algorithms developed to predict the effect of sequence changes on RNA splicing suggest that this variant may disrupt the consensus splice site. In summary, the available evidence is currently insufficient to determine the role of this variant in disease. Therefore, it has been classified as a Variant of Uncertain Significance.

Literature cited by the submitters: PubMed 17576681; PubMed 9536098.

NM_001330723.2(SNX27):c.543+6T>C

Gene: SNX27 (sorting nexin 27; plus strand). Cytogenetic location: 1q21.3.
Variant type: single nucleotide variant.
Coding change: c.543+6T>C on transcript NM_001330723.2 (MANE Select); 6 bases into the intron after coding-DNA position 543, T replaced by C.
Molecular consequence: intron variant.
Genome position (GRCh38, 1-based): chr1:151,639,125, T>C. VCF-style: chr1-151639125-T-C. GRCh37 (hg19) VCF-style: chr1-151611601-T-C.
Other names: c.543+6T>C (NM_030918.6).
Identifiers: ClinVar variation 662792 (VCV000662792.6), dbSNP rs1571793465, ClinGen allele CA915941425.
Genomic context (GRCh38, chr1:151,639,125, plus strand): 5'-GCCCATATCGGTCCCCAGATACAAACATGTGGAGCAGAATGGTGAGAAGTTTGTGGTGAG[T>C]GTCAGCCCAACTCGATCCTCGAACATCTAGCTTTGTTTCCCCTAGTCTTATAATTATGAA-3'